The following is an entry in ClinVar:

NM_000432.4(MYL2):c.403-1G>T

Gene: MYL2 (myosin light chain 2; minus strand). Cytogenetic location: 12q24.11.
Variant type: single nucleotide variant.
Coding change: c.403-1G>T on transcript NM_000432.4 (MANE Select); the canonical splice acceptor site of the intron before coding-DNA position 403, G replaced by T.
Molecular consequence: splice acceptor variant.
Genome position (GRCh38, 1-based): chr12:110,911,176, C>A on the plus strand (G>T on the coding strand, the complement: MYL2 is on the minus strand). VCF-style: chr12-110911176-C-A. GRCh37 (hg19) VCF-style: chr12-111348980-C-A.
Other names: c.346-1G>T (NM_001406916.1); c.361-1G>T (NM_001406745.1).
Identifiers: ClinVar variation 403210 (VCV000403210.14), dbSNP rs199474813, ClinGen allele CA16609752.

ClinVar aggregate classification (germline): Conflicting classifications of pathogenicity. Review status: criteria provided, conflicting classifications (1 of 4 stars). 3 submissions from 3 submitters: Pathogenic (1); Uncertain significance (2). Last evaluated 2025-12-14.

Conditions:
Cardiomyopathy (CMYO). Also called: Cardiomyopathies. Identifiers: Orphanet 167848, MedGen C0878544, MONDO:0004994, HP:0001638. Inheritance: Various modes of inheritance.
Hypertrophic cardiomyopathy 10. Also called: CARDIOMYOPATHY, HYPERTROPHIC, MID-LEFT VENTRICULAR CHAMBER TYPE, 2; MYL2-Related Familial Hypertrophic Cardiomyopathy. Identifiers: MedGen C1834460, MONDO:0012112, OMIM 608758.

gnomAD v4.1: 1 of 1,606,260 alleles (0.000062%); highest among the groups gnomAD compares: Non-Finnish European, 0.000085%; no homozygotes.

Submissions (3):

Labcorp Genetics (formerly Invitae), Labcorp
Classification: Pathogenic for Hypertrophic cardiomyopathy 10. Last evaluated: 2025-12-14. Review status: criteria provided, single submitter. Criteria: Invitae Variant Classification Sherloc (09022015). Collection method: clinical testing. Allele origin: germline.
Comment: This sequence change falls in intron 6 of the MYL2 gene. It does not directly change the encoded amino acid sequence of the MYL2 protein. RNA analysis indicates that this variant induces altered splicing and likely disrupts the C-terminus of the protein. This variant is present in population databases (no rsID available, gnomAD 0.0009%). This variant has been observed in individual(s) with autosomal recessive MYL2-related conditions (PMID: 23365102). It has also been observed to segregate with disease in related individuals. This variant has been reported as heterozygous in individual(s) with hypertrophic cardiomyopathy (PMID: 11748309); however, the role of the variant in an autosomal dominant condition is currently unclear. ClinVar contains an entry for this variant (Variation ID: 403210). Algorithms developed to predict the effect of variants on gene product structure and function are not available or were not evaluated for this variant. Experimental studies have shown that this variant affects MYL2 function (PMID: 27378946). Variants that disrupt the consensus splice site are a relatively common cause of aberrant splicing (PMID: 17576681, 9536098). Studies have shown that this variant results in activation of a cryptic splice site 23 nucleotides upstream of the original splice site and introduces a new termination codon (PMID: 23365102). However the mRNA is not expected to undergo nonsense-mediated decay. For these reasons, this variant has been classified as Pathogenic.

Color Diagnostics, LLC DBA Color Health
Classification: Uncertain significance for Cardiomyopathy. Last evaluated: 2024-05-22. Review status: criteria provided, single submitter. Criteria: ACMG Guidelines, 2015. Collection method: clinical testing. Allele origin: germline.
Comment: This variant causes a G to T nucleotide substitution at the -1 position of intron 6 of the MYL2 gene. Splice site prediction tools suggest that this variant may have a significant impact on RNA splicing. To our knowledge, RNA studies have not been reported for this variant. This variant has not been reported in individuals affected with MYL2-related disorders in the literature. This variant has been identified in 1/248224 chromosomes in the general population by the Genome Aggregation Database (gnomAD). Clinical relevance of loss-of-function MYL2 splice and truncation variants in autosomal dominant cardiovascular disorders is not clearly established. The available evidence is insufficient to determine the role of this variant in disease conclusively. Therefore, this variant is classified as a Variant of Uncertain Significance.

Laboratory for Molecular Medicine, Mass General Brigham Personalized Medicine
Classification: Uncertain significance. Last evaluated: 2016-06-23. Review status: criteria provided, single submitter. Criteria: LMM Criteria. Collection method: clinical testing. Allele origin: germline.
Comment: Variant identified in a genome or exome case(s) and assessed due to predicted null impact of the variant or pathogenic assertions in the literature or databases. Disclaimer: This variant has not undergone full assessment. The following are preliminary notes: LOF not established disease mechanism for this gene, terminal exon

Literature cited by the submitters: PubMed 23365102 (cited by Labcorp Genetics (formerly Invitae), Labcorp); PubMed 11748309 (cited by Labcorp Genetics (formerly Invitae), Labcorp); PubMed 27378946 (cited by Labcorp Genetics (formerly Invitae), Labcorp); PubMed 17576681 (cited by Labcorp Genetics (formerly Invitae), Labcorp); PubMed 9536098 (cited by Labcorp Genetics (formerly Invitae), Labcorp).